The following is an entry in ClinVar:

ClinVar aggregate classification (germline): Pathogenic (1 of 4 stars; one submission).

Conditions:
Bloom syndrome (BLM). Also called: Bloom-Torre-Machacek syndrome. Identifiers: Orphanet 125, MedGen C0005859, MONDO:0008876, OMIM 210900.

Submission:

Labcorp Genetics (formerly Invitae), Labcorp
Classification: Pathogenic for Bloom syndrome. Last evaluated: 2022-12-19. Review status: criteria provided, single submitter. Criteria: Invitae Variant Classification Sherloc (09022015). Collection method: clinical testing. Allele origin: germline.
Comment: This sequence change creates a premature translational stop signal (p.Cys685Phefs*10) in the BLM gene. It is expected to result in an absent or disrupted protein product. Loss-of-function variants in BLM are known to be pathogenic (PMID: 17407155). This variant is not present in population databases (gnomAD no frequency). This variant has not been reported in the literature in individuals affected with BLM-related conditions. Algorithms developed to predict the effect of sequence changes on RNA splicing suggest that this variant may create or strengthen a splice site. For these reasons, this variant has been classified as Pathogenic.

Literature cited by the submitters: PubMed 17407155.

NM_000057.4(BLM):c.2054_2055del (p.Cys685fs)

Gene: BLM (BLM RecQ like helicase; plus strand). Cytogenetic location: 15q26.1.
Variant type: Deletion.
Coding change: c.2054_2055del on transcript NM_000057.4 (MANE Select); coding-DNA positions 2054 to 2055, 2 bases deleted (GT; older notation c.2054_2055delGT).
Protein change: p.Cys685fs; shifts the reading frame from cysteine 685.
Molecular consequence: frameshift variant.
Genome position (GRCh38, 1-based): chr15:90,763,137-90,763,138, GT deleted; deleting any 2 consecutive bases within chr15:90,763,136-90,763,138 gives the same sequence; the c. name uses the placement nearest the transcript's 3' end. VCF-style (leftmost placement, unchanged base first): chr15-90763135-CTG-C. GRCh37 (hg19) VCF-style: chr15-91306365-CTG-C.
Other names: c.2054_2055del, p.Cys685fs (NM_001287246.2, NM_001287247.2); c.929_930del, p.Cys310fs (NM_001287248.2); short protein forms C310fs, C685fs.
Identifiers: ClinVar variation 2996576 (VCV002996576.3), dbSNP rs2505435325, ClinGen allele CA2740096758.